The following is an entry in ClinVar:

ClinVar aggregate classification (germline): Uncertain significance (1 of 4 stars; one submission).

Conditions:
Neurofibromatosis, type 1 (NF1). Also called: NEUROFIBROMATOSIS, TYPE I, SOMATIC; VON RECKLINGHAUSEN DISEASE; Peripheral type neurofibromatosis; Neurofibromatosis, type I. Identifiers: Orphanet 636, MedGen C0027831, MONDO:0018975, OMIM 162200. Disease mechanism: loss of function.

Submission:

Labcorp Genetics (formerly Invitae), Labcorp
Classification: Uncertain significance for Neurofibromatosis, type 1. Last evaluated: 2024-06-25. Review status: criteria provided, single submitter. Criteria: Invitae Variant Classification Sherloc (09022015). Collection method: clinical testing. Allele origin: germline.
Comment: This sequence change replaces methionine, which is neutral and non-polar, with threonine, which is neutral and polar, at codon 2538 of the NF1 protein (p.Met2538Thr). This variant is not present in population databases (gnomAD no frequency). This variant has not been reported in the literature in individuals affected with NF1-related conditions. ClinVar contains an entry for this variant (Variation ID: 1037045). Advanced modeling of protein sequence and biophysical properties (such as structural, functional, and spatial information, amino acid conservation, physicochemical variation, residue mobility, and thermodynamic stability) performed at Invitae indicates that this missense variant is not expected to disrupt NF1 protein function with a negative predictive value of 95%. In summary, the available evidence is currently insufficient to determine the role of this variant in disease. Therefore, it has been classified as a Variant of Uncertain Significance.

NM_001042492.3(NF1):c.7676T>C (p.Met2559Thr)

Gene: NF1 (neurofibromin 1; plus strand). Cytogenetic location: 17q11.2.
Variant type: single nucleotide variant.
Coding change: c.7676T>C on transcript NM_001042492.3 (MANE Select); coding-DNA position 7676, T replaced by C.
Protein change: p.Met2559Thr; replaces methionine 2559 with threonine.
Molecular consequence: missense variant.
Genome position (GRCh38, 1-based): chr17:31,356,520, T>C. VCF-style: chr17-31356520-T-C. GRCh37 (hg19) VCF-style: chr17-29683538-T-C.
Other names: c.7613T>C, p.Met2538Thr (NM_000267.4); short protein forms M2538T, M2559T.
Identifiers: ClinVar variation 1037045 (VCV001037045.5), dbSNP rs2070274119, ClinGen allele CA399018106.